The following is an entry in ClinVar:

NM_004586.3(RPS6KA3):c.231A>G (p.Gly77=)

Gene: RPS6KA3 (ribosomal protein S6 kinase A3; minus strand). Cytogenetic location: Xp22.12.
Variant type: single nucleotide variant.
Coding change: c.231A>G on transcript NM_004586.3 (MANE Select); coding-DNA position 231, A replaced by G.
Protein change: p.Gly77=; no amino-acid change (glycine 77 retained).
Molecular consequence: synonymous variant.
Genome position (GRCh38, 1-based): chrX:20,209,300, T>C on the plus strand (A>G on the coding strand, the complement: RPS6KA3 is on the minus strand). VCF-style: chrX-20209300-T-C. GRCh37 (hg19) VCF-style: chrX-20227418-T-C.
Other names: c.147A>G, p.Gly49= (NM_001438340.1).
Identifiers: ClinVar variation 4978156 (VCV004978156.1).

ClinVar aggregate classification (germline): Likely benign (1 of 4 stars; one submission).

Conditions:
RPS6KA3-related disorder. Also called: RPS6KA3-related condition.

gnomAD v4.1: 3 of 1,142,523 alleles (0.00026%); highest among the groups gnomAD compares: African/African-American, 0.0054%; no homozygotes.

Submission:

PreventionGenetics, part of Exact Sciences
Classification: Likely benign for RPS6KA3-related condition. Last evaluated: 2026-08-10. Review status: criteria provided, single submitter. Criteria: ACMG Guidelines, 2015. Collection method: clinical testing. Allele origin: germline.
Comment: This variant is classified as likely benign based on ACMG/AMP sequence variant interpretation guidelines (Richards et al. 2015 PMID: 25741868, with internal and published modifications).